The following is an entry in ClinVar:

NM_000069.3(CACNA1S):c.4796G>A (p.Arg1599Gln)

Gene: CACNA1S (calcium voltage-gated channel subunit alpha1 S; minus strand). Cytogenetic location: 1q32.1.
Variant type: single nucleotide variant.
Coding change: c.4796G>A on transcript NM_000069.3 (MANE Select); coding-DNA position 4796, G replaced by A.
Protein change: p.Arg1599Gln; replaces arginine 1599 with glutamine.
Molecular consequence: missense variant.
Genome position (GRCh38, 1-based): chr1:201,044,329, C>T on the plus strand (G>A on the coding strand, the complement: CACNA1S is on the minus strand). VCF-style: chr1-201044329-C-T. GRCh37 (hg19) VCF-style: chr1-201013457-C-T.
Other names: c.4796G>A (NM_000069.2); short protein forms R1599Q.
Identifiers: ClinVar variation 1435020 (VCV001435020.12), dbSNP rs946904077, ClinGen allele CA35993582.

ClinVar aggregate classification (germline): Uncertain significance. Review status: criteria provided, multiple submitters, no conflicts (2 of 4 stars). 10 submissions from 7 submitters: Uncertain significance (10). Last evaluated 2025-11-28.

Conditions:
CACNA1S-related disorder. Also called: CACNA1S-related condition.
Congenital myopathy 18. Also called: Myopathy, congenital, due to dihydropyridine receptor defect; DIHYDROPYRIDINE RECEPTOR CONGENITAL MYOPATHY; DHPR CONGENITAL MYOPATHY. Identifiers: MedGen C5830283, MONDO:0859514, OMIM 620246.
Inborn genetic diseases. Identifiers: MedGen C0950123, MeSH D030342.
Hypokalemic periodic paralysis, type 1. Also called: HypoPP; Hypokalemic Periodic Paralysis Type 1 (AD). Identifiers: Orphanet 681, MedGen C3714580, MONDO:0042979, OMIM 170400.
Malignant hyperthermia, susceptibility to, 5 (MHS5). Also called: CACNA1S-Related Malignant Hyperthermia Susceptibility. Identifiers: Orphanet 423, MedGen C1866077, MONDO:0011163, OMIM 601887.
Thyrotoxic periodic paralysis, susceptibility to, 1 (TTPP1). Identifiers: Orphanet 79102, MedGen C2749982, MONDO:0008570, OMIM 188580.

Allele frequency attached by ClinVar (database versions not stated): gnomAD exomes 0.00002; TOPMed 0.00006.
gnomAD v4.1: 53 of 1,613,200 alleles (0.0033%); highest among the groups gnomAD compares: Admixed American, 0.017%; no homozygotes.

Submissions (10):

Labcorp Genetics (formerly Invitae), Labcorp
Classification: Uncertain significance for Hypokalemic periodic paralysis, type 1; Malignant hyperthermia, susceptibility to, 5. Last evaluated: 2025-11-28. Review status: criteria provided, single submitter. Criteria: Invitae Variant Classification Sherloc (09022015). Collection method: clinical testing. Allele origin: germline.
Comment: This sequence change replaces arginine, which is basic and polar, with glutamine, which is neutral and polar, at codon 1599 of the CACNA1S protein (p.Arg1599Gln). This variant is present in population databases (no rsID available, gnomAD 0.003%). This variant has not been reported in the literature in individuals affected with CACNA1S-related conditions. ClinVar contains an entry for this variant (Variation ID: 1435020). Invitae Evidence Modeling of protein sequence and biophysical properties (such as structural, functional, and spatial information, amino acid conservation, physicochemical variation, residue mobility, and thermodynamic stability) indicates that this missense variant is not expected to disrupt CACNA1S protein function with a negative predictive value of 95%. In summary, the available evidence is currently insufficient to determine the role of this variant in disease. Therefore, it has been classified as a Variant of Uncertain Significance.

Ambry Genetics
Classification: Uncertain significance for Inborn genetic diseases. Last evaluated: 2025-08-11. Review status: criteria provided, single submitter. Criteria: Ambry Variant Classification Scheme 2023. Collection method: clinical testing. Allele origin: germline.

PreventionGenetics, part of Exact Sciences
Classification: Uncertain significance for CACNA1S-related condition. Last evaluated: 2024-12-04. Review status: criteria provided, single submitter. Criteria: ACMG Guidelines, 2015. Collection method: clinical testing. Allele origin: germline.
Comment: The CACNA1S c.4796G>A variant is predicted to result in the amino acid substitution p.Arg1599Gln. To our knowledge, this variant has not been reported in the literature. This variant is reported in 0.0056% of alleles in individuals of Latino descent in gnomAD. At this time, the clinical significance of this variant is uncertain due to the absence of conclusive functional and genetic evidence.

All of Us Research Program, National Institutes of Health
Classification: Uncertain significance for Malignant hyperthermia, susceptibility to, 5. Last evaluated: 2024-08-06. Review status: criteria provided, single submitter. Criteria: ACMG Guidelines, 2015. Collection method: clinical testing. Allele origin: germline. Inheritance: Autosomal dominant inheritance. Observed: 15 variant alleles, 15 heterozygotes.
Comment: This missense variant replaces arginine with glutamine at codon 1599 of the CACNA1S protein. Computational prediction suggests that this variant may not impact protein structure and function (internally defined REVEL score threshold <= 0.5, PMID: 27666373). To our knowledge, functional studies have not been reported for this variant. This variant has not been reported in individuals affected with CACNA1S-related disorders in the literature. This variant has been identified in 7/282554 chromosomes in the general population by the Genome Aggregation Database (gnomAD). The available evidence is insufficient to determine the role of this variant in disease conclusively. Therefore, this variant is classified as a Variant of Uncertain Significance.

This study involves interpretation of variants in research participants for the purpose of population health screening. Participant phenotype was not available at the time of variant classification. Additional details can be found in publication PMID: 35346344, PMCID: PMC8962531

Color Diagnostics, LLC DBA Color Health
Classification: Uncertain significance for Malignant hyperthermia, susceptibility to, 5. Last evaluated: 2024-03-21. Review status: criteria provided, single submitter. Criteria: ACMG Guidelines, 2015. Collection method: clinical testing. Allele origin: germline.
Comment: This missense variant replaces arginine with glutamine at codon 1599 of the CACNA1S protein. Computational prediction suggests that this variant may not impact protein structure and function. To our knowledge, functional studies have not been reported for this variant. This variant has not been reported in individuals affected with CACNA1S-related disorders in the literature. This variant has been identified in 7/282554 chromosomes in the general population by the Genome Aggregation Database (gnomAD). The available evidence is insufficient to determine the role of this variant in disease conclusively. Therefore, this variant is classified as a Variant of Uncertain Significance.

Genome-Nilou Lab
Classification: Uncertain significance for Malignant hyperthermia, susceptibility to, 5. Last evaluated: 2023-04-11. Review status: criteria provided, single submitter. Criteria: ACMG Guidelines, 2015. Collection method: clinical testing. Allele origin: germline. Affected: no.

Genome-Nilou Lab
Classification: Uncertain significance for Thyrotoxic periodic paralysis, susceptibility to, 1. Last evaluated: 2023-04-11. Review status: criteria provided, single submitter. Criteria: ACMG Guidelines, 2015. Collection method: clinical testing. Allele origin: germline. Affected: no.

Genome-Nilou Lab
Classification: Uncertain significance for Congenital myopathy 18. Last evaluated: 2023-04-11. Review status: criteria provided, single submitter. Criteria: ACMG Guidelines, 2015. Collection method: clinical testing. Allele origin: germline. Affected: no.

Genome-Nilou Lab
Classification: Uncertain significance for Hypokalemic periodic paralysis, type 1. Last evaluated: 2023-04-11. Review status: criteria provided, single submitter. Criteria: ACMG Guidelines, 2015. Collection method: clinical testing. Allele origin: germline. Affected: no.

Fulgent Genetics
Classification: Uncertain significance for Hypokalemic periodic paralysis, type 1; Thyrotoxic periodic paralysis, susceptibility to, 1; Malignant hyperthermia, susceptibility to, 5. Last evaluated: 2021-12-07. Review status: criteria provided, single submitter. Criteria: ACMG Guidelines, 2015. Collection method: clinical testing. Allele origin: unknown.